The following is an entry in ClinVar:

ClinVar aggregate classification (germline): Uncertain significance (1 of 4 stars; one submission).

Conditions:
Familial hemophagocytic lymphohistiocytosis 3 (FHL3). Also called: UNC13D-Related Familial Hemophagocytic Lymphohistiocytosis (UNC13D-fHLH). Identifiers: Orphanet 540, MedGen C1837174, MONDO:0012146, OMIM 608898.

Submission:

Labcorp Genetics (formerly Invitae), Labcorp
Classification: Uncertain significance for Familial hemophagocytic lymphohistiocytosis 3. Last evaluated: 2025-03-31. Review status: criteria provided, single submitter. Criteria: Invitae Variant Classification Sherloc (09022015). Collection method: clinical testing. Allele origin: germline.
Comment: This sequence change replaces leucine, which is neutral and non-polar, with phenylalanine, which is neutral and non-polar, at codon 419 of the UNC13D protein (p.Leu419Phe). The frequency data for this variant in the population databases is considered unreliable, as metrics indicate poor data quality at this position in the gnomAD database. This variant has not been reported in the literature in individuals affected with UNC13D-related conditions. ClinVar contains an entry for this variant (Variation ID: 959491). Invitae Evidence Modeling of protein sequence and biophysical properties (such as structural, functional, and spatial information, amino acid conservation, physicochemical variation, residue mobility, and thermodynamic stability) indicates that this missense variant is not expected to disrupt UNC13D protein function with a negative predictive value of 80%. In summary, the available evidence is currently insufficient to determine the role of this variant in disease. Therefore, it has been classified as a Variant of Uncertain Significance.

NM_199242.3(UNC13D):c.1255C>T (p.Leu419Phe)

Gene: UNC13D (unc-13 homolog D; minus strand). Cytogenetic location: 17q25.1.
Variant type: single nucleotide variant.
Coding change: c.1255C>T on transcript NM_199242.3 (MANE Select); coding-DNA position 1255, C replaced by T.
Protein change: p.Leu419Phe; replaces leucine 419 with phenylalanine.
Molecular consequence: missense variant.
Genome position (GRCh38, 1-based): chr17:75,836,615, G>A on the plus strand (C>T on the coding strand, the complement: UNC13D is on the minus strand). VCF-style: chr17-75836615-G-A. GRCh37 (hg19) VCF-style: chr17-73832696-G-A.
Other names: short protein forms L419F.
Identifiers: ClinVar variation 959491 (VCV000959491.5), dbSNP rs746314361, ClinGen allele CA8773061.
Genomic context (GRCh38, chr17:75,836,615, plus strand): 5'-GGAAGGCAGCCACTGACCTGAGAAGAGACTGCAGCCGGGCTGGGGAGTCCGAGACAGAGA[G>A]GGGGAAGACAGAGCGGAACCTCCGGATGAGGGAGAGGCCGTAGGTCAGCAGGGAGCTGAA-3'
Protein context (NP_954712.1, residues 409-429): LIRRFRSVFP[Leu419Phe]SVSDSPARLQ